The following is an entry in ClinVar:

ClinVar aggregate classification (germline): Uncertain significance (1 of 4 stars; one submission).

Submission:

Labcorp Genetics (formerly Invitae), Labcorp
Classification: Uncertain significance. Last evaluated: 2025-12-19. Review status: criteria provided, single submitter. Criteria: Invitae Variant Classification Sherloc (09022015). Collection method: clinical testing. Allele origin: germline.
Comment: This sequence change replaces glutamic acid, which is acidic and polar, with glutamine, which is neutral and polar, at codon 58 of the FRMD7 protein (p.Glu58Gln). This variant is not present in population databases (gnomAD no frequency). This variant has not been reported in the literature in individuals affected with FRMD7-related conditions. ClinVar contains an entry for this variant (Variation ID: 1385817). An algorithm developed to predict the effect of missense changes on protein structure and function (PolyPhen-2) suggests that this variant is likely to be disruptive. In summary, the available evidence is currently insufficient to determine the role of this variant in disease. Therefore, it has been classified as a Variant of Uncertain Significance.

NM_194277.3(FRMD7):c.172G>C (p.Glu58Gln)

Gene: FRMD7 (FERM domain containing 7; minus strand). Cytogenetic location: Xq26.2.
Variant type: single nucleotide variant.
Coding change: c.172G>C on transcript NM_194277.3 (MANE Select); coding-DNA position 172, G replaced by C.
Protein change: p.Glu58Gln; replaces glutamic acid 58 with glutamine.
Molecular consequence: missense variant.
Genome position (GRCh38, 1-based): chrX:132,099,501, C>G on the plus strand (G>C on the coding strand, the complement: FRMD7 is on the minus strand). VCF-style: chrX-132099501-C-G. GRCh37 (hg19) VCF-style: chrX-131233529-C-G.
Other names: c.172G>C, p.Glu58Gln (NM_001306193.2); short protein forms E58Q.
Identifiers: ClinVar variation 1385817 (VCV001385817.6), dbSNP rs921786837, ClinGen allele CA335859070.